The following is an entry in ClinVar:

NM_003070.5(SMARCA2):c.*431G>A

Gene: SMARCA2 (SWI/SNF related BAF chromatin remodeling complex subunit ATPase 2; plus strand). Cytogenetic location: 9p24.3.
Variant type: single nucleotide variant.
Coding change: c.*431G>A on transcript NM_003070.5 (MANE Select); 431 bases downstream of the stop codon, G replaced by A.
Molecular consequence: 3 prime UTR variant.
Genome position (GRCh38, 1-based): chr9:2,193,170, G>A. VCF-style: chr9-2193170-G-A. GRCh37 (hg19) VCF-style: chr9-2193170-G-A.
Other names: NC_000009.11:g.2193170G>A; c.*431G>A (NM_001289396.2, NM_001289397.2, NM_001289398.2 and 3 more transcripts).
Identifiers: ClinVar variation 366337 (VCV000366337.7), dbSNP rs17387924, ClinGen allele CA10627111.
Genomic context (GRCh38, chr9:2,193,170, plus strand): 5'-GATAACCAGGAGAAGCCATTAAAAGCCACTGGTTATTTTATTTTTCATCAGGCAATTTTC[G>A]AGGTTTTTATTTGTTCGGTATTGTTTTTTTACACTGTGGTACATATAAGCAACTTTAATA-3'

ClinVar aggregate classification (germline): Benign. Review status: criteria provided, multiple submitters, no conflicts (2 of 4 stars). 2 submissions from 2 submitters: Benign (2). Last evaluated 2018-01-13.

Conditions:
Nicolaides-Baraitser syndrome (NCBRS). Also called: SMARCA2-Related Nicolaides-Baraitser Syndrome; Intellectual disability-sparse hair-brachydactyly syndrome. Identifiers: Orphanet 3051, MedGen C1303073, MONDO:0011053, OMIM 601358.

Allele frequency attached by ClinVar (database versions not stated): 1000 Genomes Project 0.00579; 1000 Genomes Project 30x 0.00625; TOPMed 0.01653; gnomAD 0.01991 and 0.02045; gnomAD exomes 0.02153.
gnomAD v4.1: 3,161 of 159,670 alleles (2%); highest among the groups gnomAD compares: Non-Finnish European, 3.2%; 48 homozygotes.

Submissions (5):

Illumina Laboratory Services, Illumina
Classification: Benign for Nicolaides-Baraitser syndrome. Last evaluated: 2018-01-13. Review status: criteria provided, single submitter. Criteria: ICSL Variant Classification Criteria 13 December 2019. Collection method: clinical testing. Allele origin: germline.
Comment: This variant was observed in the ICSL laboratory as part of a predisposition screen in an ostensibly healthy population. It had not been previously curated by ICSL or reported in the Human Gene Mutation Database (HGMD: prior to June 1st, 2018), and was therefore a candidate for classification through an automated scoring system. Utilizing variant allele frequency, disease prevalence and penetrance estimates, and inheritance mode, an automated score was calculated to assess if this variant is too frequent to cause the disease. Based on the score and internal cut-off values, a variant classified as benign is not then subjected to further curation. The score for this variant resulted in a classification of benign for this disease.

Breakthrough Genomics
Classification: Benign. Review status: criteria provided, single submitter. Criteria: ACMG Guidelines, 2015. Collection method: not provided. Allele origin: germline. Inheritance: Autosomal dominant inheritance. Affected: yes.

Dr. Peter K. Rogan Lab, Western University
No classification provided (evidence only). Condition: Acute myeloid leukemia. Review status: no classification provided. Collection method: in vitro. Allele origin: not applicable. Functional consequence: retained intron. Not counted in ClinVar's aggregate classification.

Dr. Peter K. Rogan Lab, Western University
No classification provided (evidence only). Condition: Acute myeloid leukemia. Review status: no classification provided. Collection method: in vitro. Allele origin: not applicable. Functional consequence: retained intron. Not counted in ClinVar's aggregate classification.

Dr. Peter K. Rogan Lab, Western University
No classification provided (evidence only). Condition: Sarcoma. Review status: no classification provided. Collection method: in vitro. Allele origin: not applicable. Functional consequence: retained intron. Not counted in ClinVar's aggregate classification.